The following is an entry in ClinVar:

ClinVar aggregate classification (germline): Uncertain significance. Review status: criteria provided, multiple submitters, no conflicts (2 of 4 stars). 2 submissions from 2 submitters: Uncertain significance (2). Last evaluated 2024-11-25.

Conditions:
Lynch syndrome 4 (LYNCH4). Also called: Colorectal cancer, hereditary nonpolyposis, type 4; Hereditary non-polyposis colorectal cancer, type 4. Identifiers: Orphanet 144, MedGen C1838333, MONDO:0013699, OMIM 614337. Disease mechanism: loss of function.
Hereditary nonpolyposis colorectal neoplasms. Identifiers: MedGen C0009405, MeSH D003123.

Allele frequency attached by ClinVar (database versions not stated): gnomAD exomes below 0.00001.
gnomAD v4.1: 3 of 1,614,116 alleles (0.00019%); highest among the groups gnomAD compares: Non-Finnish European, 0.00025%; no homozygotes.

Submissions (2):

Labcorp Genetics (formerly Invitae), Labcorp
Classification: Uncertain significance for Hereditary nonpolyposis colorectal neoplasms. Last evaluated: 2024-11-25. Review status: criteria provided, single submitter. Criteria: Invitae Variant Classification Sherloc (09022015). Collection method: clinical testing. Allele origin: germline.
Comment: This sequence change replaces tyrosine, which is neutral and polar, with histidine, which is basic and polar, at codon 191 of the PMS2 protein (p.Tyr191His). This variant is not present in population databases (gnomAD no frequency). This variant has not been reported in the literature in individuals affected with PMS2-related conditions. ClinVar contains an entry for this variant (Variation ID: 969767). Invitae Evidence Modeling incorporating data from in vitro experimental studies (internal data) indicates that this missense variant is not expected to disrupt PMS2 function with a negative predictive value of 95%. In summary, the available evidence is currently insufficient to determine the role of this variant in disease. Therefore, it has been classified as a Variant of Uncertain Significance.

Molecular Pathology, Peter Maccallum Cancer Centre
Classification: Uncertain significance for Lynch syndrome 4. Last evaluated: 2024-05-29. Review status: criteria provided, single submitter. Criteria: ACMG Guidelines, 2015. Collection method: clinical testing. Allele origin: germline. Inheritance: Autosomal dominant inheritance.

NM_000535.7(PMS2):c.571T>C (p.Tyr191His)

Gene: PMS2 (PMS1 homolog 2, mismatch repair system component; minus strand). Cytogenetic location: 7p22.1.
Variant type: single nucleotide variant.
Coding change: c.571T>C on transcript NM_000535.7 (MANE Select); coding-DNA position 571, T replaced by C.
Protein change: p.Tyr191His; replaces tyrosine 191 with histidine.
Molecular consequence: missense variant. On other transcripts: non-coding transcript variant (1), intron variant (3).
Genome position (GRCh38, 1-based): chr7:5,999,242, A>G on the plus strand (T>C on the coding strand, the complement: PMS2 is on the minus strand). VCF-style: chr7-5999242-A-G. GRCh37 (hg19) VCF-style: chr7-6038873-A-G.
Other names: c.166T>C, p.Tyr56His (NM_001322003.2, NM_001322004.2, NM_001322005.2 and 2 more transcripts); c.571T>C, p.Tyr191His (NM_001322006.2, NM_001322014.2); c.253T>C, p.Tyr85His (NM_001322007.2, NM_001322008.2); c.262T>C, p.Tyr88His (NM_001322015.2); c.133-1819T>C (NM_001322013.2); c.-347-16T>C (NM_001322012.2, NM_001322011.2); short protein forms Y85H, Y88H, Y191H, Y56H.
Identifiers: ClinVar variation 969767 (VCV000969767.10), dbSNP rs1784821488, ClinGen allele CA366744067.